The following is an entry in ClinVar:

ClinVar aggregate classification (germline): Uncertain significance. Review status: criteria provided, multiple submitters, no conflicts (2 of 4 stars). 2 submissions from 2 submitters: Uncertain significance (2). Last evaluated 2024-03-25.

Conditions:
Inborn genetic diseases. Identifiers: MedGen C0950123, MeSH D030342.
Brachyolmia-amelogenesis imperfecta syndrome. Also called: PLATYSPONDYLY WITH AMELOGENESIS IMPERFECTA; Tooth agenesis, selective, 6; Dental anomalies and short stature. Identifiers: Orphanet 2899, MedGen C1832594, MONDO:0011018, OMIM 601216. Disease mechanism: loss of function.

Allele frequency attached by ClinVar (database versions not stated): gnomAD 0.00001; gnomAD exomes 0.00001; TOPMed 0.00001.
gnomAD v4.1: 5 of 1,613,988 alleles (0.00031%); highest among the groups gnomAD compares: Non-Finnish European, 0.00042%; no homozygotes.

Submissions (2):

Labcorp Genetics (formerly Invitae), Labcorp
Classification: Uncertain significance for Brachyolmia-amelogenesis imperfecta syndrome. Last evaluated: 2024-03-25. Review status: criteria provided, single submitter. Criteria: Invitae Variant Classification Sherloc (09022015). Collection method: clinical testing. Allele origin: germline.
Comment: This sequence change replaces valine, which is neutral and non-polar, with isoleucine, which is neutral and non-polar, at codon 432 of the LTBP3 protein (p.Val432Ile). This variant is present in population databases (no rsID available, gnomAD 0.002%). This variant has not been reported in the literature in individuals affected with LTBP3-related conditions. An algorithm developed to predict the effect of missense changes on protein structure and function (PolyPhen-2) suggests that this variant is likely to be disruptive. In summary, the available evidence is currently insufficient to determine the role of this variant in disease. Therefore, it has been classified as a Variant of Uncertain Significance.

Ambry Genetics
Classification: Uncertain significance for Inborn genetic diseases. Last evaluated: 2024-02-17. Review status: criteria provided, single submitter. Criteria: Ambry Variant Classification Scheme 2023. Collection method: clinical testing. Allele origin: germline.
Comment: The p.V432I variant (also known as c.1294G>A), located in coding exon 7 of the LTBP3 gene, results from a G to A substitution at nucleotide position 1294. The valine at codon 432 is replaced by isoleucine, an amino acid with highly similar properties. This amino acid position is conserved. In addition, the in silico prediction for this alteration is inconclusive. Based on the available evidence, the clinical significance of this alteration remains unclear.

NM_001130144.3(LTBP3):c.1294G>A (p.Val432Ile)

Gene: LTBP3 (latent transforming growth factor beta binding protein 3; minus strand). Cytogenetic location: 11q13.1.
Variant type: single nucleotide variant.
Coding change: c.1294G>A on transcript NM_001130144.3 (MANE Select); coding-DNA position 1294, G replaced by A.
Protein change: p.Val432Ile; replaces valine 432 with isoleucine.
Molecular consequence: missense variant.
Genome position (GRCh38, 1-based): chr11:65,552,299, C>T on the plus strand (G>A on the coding strand, the complement: LTBP3 is on the minus strand). VCF-style: chr11-65552299-C-T. GRCh37 (hg19) VCF-style: chr11-65319770-C-T.
Other names: c.943G>A, p.Val315Ile (NM_001164266.1); c.1294G>A, p.Val432Ile (NM_021070.4); short protein forms V315I, V432I.
Identifiers: ClinVar variation 3233146 (VCV003233146.3), dbSNP rs1213736265, ClinGen allele CA381273850.